The following is an entry in ClinVar:

ClinVar aggregate classification (germline): Likely pathogenic (1 of 4 stars; one submission).

Conditions:
Primary ciliary dyskinesia 22. Also called: CILIARY DYSKINESIA, PRIMARY, 22, WITH OR WITHOUT SITUS INVERSUS. Identifiers: Orphanet 244, MedGen C3809543, MONDO:0014192, OMIM 615444.

Allele frequency attached by ClinVar (database versions not stated): ExAC 0.00001; gnomAD 0.00001; TOPMed 0.00002; ESP Exome Variant Server 0.00008.
gnomAD v4.1: 25 of 1,614,120 alleles (0.0015%); highest among the groups gnomAD compares: Non-Finnish European, 0.0021%; no homozygotes.

Submission:

Greenwood Genetic Center Diagnostic Laboratories, Greenwood Genetic Center
Classification: Likely pathogenic for Primary ciliary dyskinesia 22. Last evaluated: 2023-09-25. Review status: criteria provided, single submitter. Criteria: ACMG Guidelines, 2015. Collection method: clinical testing. Allele origin: germline. Affected: yes.
Comment: PVS1, PM2

NM_015896.4(ZMYND10):c.1248-1G>T

Gene: ZMYND10 (zinc finger MYND-type containing 10; minus strand). Cytogenetic location: 3p21.31.
Variant type: single nucleotide variant.
Coding change: c.1248-1G>T on transcript NM_015896.4 (MANE Select); the canonical splice acceptor site of the intron before coding-DNA position 1248, G replaced by T.
Molecular consequence: splice acceptor variant.
Genome position (GRCh38, 1-based): chr3:50,341,486, C>A on the plus strand (G>T on the coding strand, the complement: ZMYND10 is on the minus strand). VCF-style: chr3-50341486-C-A. GRCh37 (hg19) VCF-style: chr3-50378917-C-A.
Other names: c.1233-1G>T (NM_001308379.2).
Identifiers: ClinVar variation 2626965 (VCV002626965.1), dbSNP rs145320643, ClinGen allele CA2416926.
Genomic context (GRCh38, chr3:50,341,486, plus strand): 5'-CCCTGGGCTGCCAGGACACAAGTCTTTCCATGCTTTTCCCAGTGCTTGACTTGGCACTCC[C>A]TGCAGGCAGGTGGGTATTGAGGATGGCAATGCATGTGGGGGATGTGGGAGTAGGGCTTAG-3'